The following is an entry in ClinVar:

NM_000135.4(FANCA):c.392C>A (p.Thr131Asn)

Gene: FANCA (FA complementation group A; minus strand). Cytogenetic location: 16q24.3.
Variant type: single nucleotide variant.
Coding change: c.392C>A on transcript NM_000135.4 (MANE Select); coding-DNA position 392, C replaced by A.
Protein change: p.Thr131Asn; replaces threonine 131 with asparagine.
Molecular consequence: missense variant.
Genome position (GRCh38, 1-based): chr16:89,810,963, G>T on the plus strand (C>A on the coding strand, the complement: FANCA is on the minus strand). VCF-style: chr16-89810963-G-T. GRCh37 (hg19) VCF-style: chr16-89877371-G-T.
Other names: c.392C>A, p.Thr131Asn (NM_001018112.3, NM_001286167.3, NM_001351830.2); short protein forms T131N.
Identifiers: ClinVar variation 4022334 (VCV004022334.1).
Genomic context (GRCh38, chr16:89,810,963, plus strand): 5'-TTTCCTCATCTTTGCTGGTGTCTTACTCTCTGCTCCACAGTCAGCAGCACAGGGTGACTG[G>T]TCTCCGCTGGAGCCGTGCAGATCTGTCCCACGCTAGAGGCAACCATCCCGGCTGAGAGAA-3'
Protein context (NP_000126.2, residues 121-141): VGQICTAPAE[Thr131Asn]SHPVLLTVEQ

ClinVar aggregate classification (germline): Uncertain significance (1 of 4 stars; one submission).

Conditions:
Inborn genetic diseases. Identifiers: MedGen C0950123, MeSH D030342.

gnomAD v4.1: 13 of 1,614,098 alleles (0.00081%); highest among the groups gnomAD compares: South Asian, 0.013%; no homozygotes.

Submission:

Ambry Genetics
Classification: Uncertain significance for Inborn genetic diseases. Last evaluated: 2025-05-31. Review status: criteria provided, single submitter. Criteria: Ambry Variant Classification Scheme 2023. Collection method: clinical testing. Allele origin: germline.
Comment: The p.T131N variant (also known as c.392C>A), located in coding exon 4 of the FANCA gene, results from a C to A substitution at nucleotide position 392. The threonine at codon 131 is replaced by asparagine, an amino acid with similar properties. This amino acid position is conserved. In addition, this alteration is predicted to be tolerated by in silico analysis. Based on the available evidence, the clinical significance of this variant remains unclear.